The following is an entry in ClinVar:

ClinVar aggregate classification (germline): Uncertain significance (1 of 4 stars; one submission).

Conditions:
Cardiovascular phenotype. Identifiers: MedGen CN230736.

gnomAD v4.1: 5 of 1,614,060 alleles (0.00031%); highest among the groups gnomAD compares: Non-Finnish European, 0.00042%; no homozygotes.

Submission:

Ambry Genetics
Classification: Uncertain significance for Cardiovascular phenotype. Last evaluated: 2025-04-04. Review status: criteria provided, single submitter. Criteria: Ambry Variant Classification Scheme 2023. Collection method: clinical testing. Allele origin: germline.
Comment: The c.55+4A>G intronic variant results from an A to G substitution 4 nucleotides after coding exon 1 in the SCN3B gene. This nucleotide position is highly conserved in available vertebrate species. In silico splice site analysis predicts that this alteration may result in the creation or strengthening of a novel splice donor site. The evidence for this gene-disease relationship is limited; therefore, the clinical significance of this alteration is unclear.

NM_001040151.2(SCN3B):c.55+4A>G

Gene: SCN3B (sodium voltage-gated channel beta subunit 3; minus strand). Cytogenetic location: 11q24.1.
Variant type: single nucleotide variant.
Coding change: c.55+4A>G on transcript NM_001040151.2 (MANE Select); 4 bases into the intron after coding-DNA position 55, A replaced by G.
Molecular consequence: intron variant.
Genome position (GRCh38, 1-based): chr11:123,653,743, T>C on the plus strand (A>G on the coding strand, the complement: SCN3B is on the minus strand). VCF-style: chr11-123653743-T-C. GRCh37 (hg19) VCF-style: chr11-123524451-T-C.
Other names: c.55+4A>G (NM_018400.4).
Identifiers: ClinVar variation 3950936 (VCV003950936.1).